The following is an entry in ClinVar:

ClinVar aggregate classification (germline): Pathogenic. Review status: criteria provided, multiple submitters, no conflicts (2 of 4 stars). 3 submissions from 3 submitters: Pathogenic (3). Last evaluated 2024-10-31.

Conditions:
Hereditary cancer-predisposing syndrome. Also called: Hereditary neoplastic syndrome; Neoplastic Syndromes, Hereditary; Tumor predisposition; Hereditary Cancer Syndrome. Identifiers: Orphanet 140162, MedGen C0027672, MeSH D009386, MONDO:0015356.
Familial cancer of breast. Also called: Hereditary breast cancer; hereditary breast carcinoma; BREAST CANCER, FAMILIAL. Identifiers: Orphanet 227535, MedGen C0346153, MONDO:0016419, OMIM 114480. Disease mechanism: loss of function.

Submissions (3):

Ambry Genetics
Classification: Pathogenic for Hereditary cancer-predisposing syndrome. Last evaluated: 2024-10-31. Review status: criteria provided, single submitter. Criteria: Ambry Variant Classification Scheme 2023. Collection method: clinical testing. Allele origin: germline.
Comment: The p.S2389* variant (also known as c.7166C>A), located in coding exon 48 of the ATM gene, results from a C to A substitution at nucleotide position 7166. This changes the amino acid from a serine to a stop codon within coding exon 48. This variant is considered to be rare based on population cohorts in the Genome Aggregation Database (gnomAD). This alteration is expected to result in loss of function by premature protein truncation or nonsense-mediated mRNA decay. As such, this alteration is interpreted as a disease-causing mutation.

Myriad Genetics, Inc.
Classification: Pathogenic for Familial cancer of breast. Last evaluated: 2023-07-18. Review status: criteria provided, single submitter. Criteria: Myriad Autosomal Dominant, Autosomal Recessive and X-Linked Classification Criteria (2023). Collection method: clinical testing. Allele origin: unknown.
Comment: This variant is considered pathogenic. This variant creates a termination codon and is predicted to result in premature protein truncation.

Mendelics
Classification: Pathogenic for Familial cancer of breast. Last evaluated: 2022-05-04. Review status: criteria provided, single submitter. Criteria: Mendelics Assertion Criteria 2019. Collection method: clinical testing. Allele origin: germline.

NM_000051.4(ATM):c.7166C>A (p.Ser2389Ter)

Genes: ATM (ATM serine/threonine kinase; plus strand), C11orf65 (chromosome 11 open reading frame 65; minus strand). Cytogenetic location: 11q22.3.
Variant type: single nucleotide variant.
Coding change: c.7166C>A on transcript NM_000051.4 (MANE Select); coding-DNA position 7166, C replaced by A.
Protein change: p.Ser2389Ter; replaces serine 2389 with a stop codon.
Molecular consequence: nonsense. On other transcripts: intron variant (2).
Genome position (GRCh38, 1-based): chr11:108,329,097, C>A. VCF-style: chr11-108329097-C-A. GRCh37 (hg19) VCF-style: chr11-108199824-C-A.
Other names: c.7166C>A, p.Ser2389Ter (NM_001351834.2); c.641-20026G>T (NM_001330368.2); c.*38+6123G>T (NM_001351110.2); short protein forms S2389*.
Identifiers: ClinVar variation 1685554 (VCV001685554.4), dbSNP rs1018140779, ClinGen allele CA382559546.